The following is an entry in ClinVar:

NM_002880.4(RAF1):c.1537G>C (p.Ala513Pro)

Gene: RAF1 (Raf-1 proto-oncogene, serine/threonine kinase; minus strand). Cytogenetic location: 3p25.2.
Variant type: single nucleotide variant.
Coding change: c.1537G>C on transcript NM_002880.4 (MANE Select); coding-DNA position 1537, G replaced by C.
Protein change: p.Ala513Pro; replaces alanine 513 with proline.
Molecular consequence: missense variant. On other transcripts: non-coding transcript variant (3).
Genome position (GRCh38, 1-based): chr3:12,585,253, C>G on the plus strand (G>C on the coding strand, the complement: RAF1 is on the minus strand). VCF-style: chr3-12585253-C-G. GRCh37 (hg19) VCF-style: chr3-12626752-C-G.
Other names: c.1597G>C, p.Ala533Pro (NM_001354689.3); c.1537G>C, p.Ala513Pro (NM_001354690.3); c.1294G>C, p.Ala432Pro (NM_001354691.3, NM_001354692.3); c.1438G>C, p.Ala480Pro (NM_001354693.3); c.1354G>C, p.Ala452Pro (NM_001354694.3); c.1195G>C, p.Ala399Pro (NM_001354695.3); short protein forms A399P, A432P, A452P, A480P, A513P, A533P.
Identifiers: ClinVar variation 3222901 (VCV003222901.1), dbSNP rs2125323183, ClinGen allele CA351498046.
Genomic context (GRCh38, chr3:12,585,253, plus strand): 5'-AGTAGACATCCGACTGGAAACTGAATGGGTTGTTATCCTGCATTCGGATCACCTCTGGGG[C>G]CTACATGTATCACCATATGACAAAAGTGCATTTATCACCATATGACAGGCCTCACAGACA-3'
Protein context (NP_002871.1, residues 503-523): EQPTGSVLWM[Ala513Pro]PEVIRMQDNN

ClinVar aggregate classification (germline): Uncertain significance (1 of 4 stars; one submission).

Conditions:
Cardiovascular phenotype. Identifiers: MedGen CN230736.

gnomAD v4.1: 3 of 1,614,048 alleles (0.00019%); highest among the groups gnomAD compares: Non-Finnish European, 0.00025%; no homozygotes.

Submission:

Ambry Genetics
Classification: Uncertain significance for Cardiovascular phenotype. Last evaluated: 2024-01-01. Review status: criteria provided, single submitter. Criteria: Ambry Variant Classification Scheme 2023. Collection method: clinical testing. Allele origin: germline.
Comment: The p.A513P variant (also known as c.1537G>C) is located in coding exon 14 of the RAF1 gene. The alanine at codon 513 is replaced by proline, an amino acid with highly similar properties. This change occurs in the first base pair of coding exon 14. This amino acid position is conserved. In addition, this alteration is predicted to be deleterious by in silico analysis. Since supporting evidence is limited at this time, the clinical significance of this alteration remains unclear.